The following is an entry in ClinVar:

ClinVar aggregate classification (germline): Uncertain significance. Review status: criteria provided, multiple submitters, no conflicts (2 of 4 stars). 2 submissions from 2 submitters: Uncertain significance (2). Last evaluated 2025-12-26.

Conditions:
Paget disease of bone 2, early-onset (PDB2). Also called: Paget disease of bone 2. Identifiers: MedGen C4085251, MONDO:0011183, OMIM 602080.
Frontotemporal dementia and/or amyotrophic lateral sclerosis 1 (FTDALS1). Also called: Frontotemporal dementia with motor neuron disease 1; C9orf72 Frontotemporal Dementia and/or Amyotrophic Lateral Sclerosis. Identifiers: Orphanet 275872, MedGen C5779877, MONDO:0007105, OMIM 105550.
Inborn genetic diseases. Identifiers: MedGen C0950123, MeSH D030342.

gnomAD v4.1: 13 of 1,613,664 alleles (0.00081%); highest among the groups gnomAD compares: African/African-American, 0.013%; no homozygotes.

Submissions (2):

Labcorp Genetics (formerly Invitae), Labcorp
Classification: Uncertain significance for Paget disease of bone 2, early-onset; Frontotemporal dementia and/or amyotrophic lateral sclerosis 1. Last evaluated: 2025-12-26. Review status: criteria provided, single submitter. Criteria: Invitae Variant Classification Sherloc (09022015). Collection method: clinical testing. Allele origin: germline.
Comment: This sequence change replaces arginine, which is basic and polar, with glycine, which is neutral and non-polar, at codon 212 of the SQSTM1 protein (p.Arg212Gly). This variant is present in population databases (no rsID available, gnomAD 0.008%). This variant has not been reported in the literature in individuals affected with SQSTM1-related conditions. ClinVar contains an entry for this variant (Variation ID: 1483836). Invitae Evidence Modeling of protein sequence and biophysical properties (such as structural, functional, and spatial information, amino acid conservation, physicochemical variation, residue mobility, and thermodynamic stability) indicates that this missense variant is not expected to disrupt SQSTM1 protein function with a negative predictive value of 80%. In summary, the available evidence is currently insufficient to determine the role of this variant in disease. Therefore, it has been classified as a Variant of Uncertain Significance.

Ambry Genetics
Classification: Uncertain significance for Inborn genetic diseases. Last evaluated: 2021-07-13. Review status: criteria provided, single submitter. Criteria: Ambry Variant Classification Scheme 2023. Collection method: clinical testing. Allele origin: germline.

NM_003900.5(SQSTM1):c.634C>G (p.Arg212Gly)

Gene: SQSTM1 (sequestosome 1; plus strand). Cytogenetic location: 5q35.3.
Variant type: single nucleotide variant.
Coding change: c.634C>G on transcript NM_003900.5 (MANE Select); coding-DNA position 634, C replaced by G.
Protein change: p.Arg212Gly; replaces arginine 212 with glycine.
Molecular consequence: missense variant.
Genome position (GRCh38, 1-based): chr5:179,824,284, C>G. VCF-style: chr5-179824284-C-G. GRCh37 (hg19) VCF-style: chr5-179251284-C-G.
Other names: c.382C>G, p.Arg128Gly (NM_001142298.2, NM_001142299.2); c.634C>G (NM_003900.4); short protein forms R212G, R128G.
Identifiers: ClinVar variation 1483836 (VCV001483836.9), dbSNP rs201263163, ClinGen allele CA362445924.